The following is an entry in ClinVar:

NM_024721.5(ZFHX4):c.8595C>G (p.Leu2865=)

Gene: ZFHX4 (zinc finger homeobox 4; plus strand). Cytogenetic location: 8q21.13.
Variant type: single nucleotide variant.
Coding change: c.8595C>G on transcript NM_024721.5 (MANE Select); coding-DNA position 8595, C replaced by G.
Protein change: p.Leu2865=; no amino-acid change (leucine 2865 retained).
Molecular consequence: synonymous variant.
Genome position (GRCh38, 1-based): chr8:76,855,516, C>G. VCF-style: chr8-76855516-C-G. GRCh37 (hg19) VCF-style: chr8-77767752-C-G.
Other names: c.8517C>G, p.Leu2839= (NM_001410934.1).
Identifiers: ClinVar variation 2658669 (VCV002658669.24), dbSNP rs199678763, ClinGen allele CA4788194.

ClinVar aggregate classification (germline): Likely benign (1 of 4 stars; one submission).

Allele frequency attached by ClinVar (database versions not stated): TOPMed 0.00005; ExAC 0.00009; gnomAD 0.00011.
gnomAD v4.1: 100 of 1,613,732 alleles (0.0062%); highest among the groups gnomAD compares: Non-Finnish European, 0.0076%; no homozygotes.

Submission:

CeGaT Center for Human Genetics Tuebingen
Classification: Likely benign. Last evaluated: 2022-08-01. Review status: criteria provided, single submitter. Criteria: CeGaT Center For Human Genetics Tuebingen Variant Classification Criteria Version 2. Collection method: clinical testing. Allele origin: germline. Affected: yes. Observed: 2 variant alleles.
Comment: ZFHX4: BP4, BP7